The following is an entry in ClinVar:

NM_001256545.2(MEGF10):c.350G>A (p.Arg117His)

Gene: MEGF10 (multiple EGF like domains 10; plus strand). Cytogenetic location: 5q23.2.
Variant type: single nucleotide variant.
Coding change: c.350G>A on transcript NM_001256545.2 (MANE Select); coding-DNA position 350, G replaced by A.
Protein change: p.Arg117His; replaces arginine 117 with histidine.
Molecular consequence: missense variant.
Genome position (GRCh38, 1-based): chr5:127,369,940, G>A. VCF-style: chr5-127369940-G-A. GRCh37 (hg19) VCF-style: chr5-126705632-G-A.
Other names: c.350G>A, p.Arg117His (NM_001308119.2, NM_001308121.2, NM_032446.3); short protein forms R117H.
Identifiers: ClinVar variation 565440 (VCV000565440.9), dbSNP rs749238106, ClinGen allele CA3391250.

ClinVar aggregate classification (germline): Uncertain significance (1 of 4 stars; one submission).

Conditions:
MEGF10-related myopathy (CMYO10A). Also called: Congenital myopathy 10A, severe variant. Identifiers: Orphanet 439212, MedGen C3280679, MONDO:0013731, OMIM 614399.

Allele frequency attached by ClinVar (database versions not stated): ExAC 0.00005; gnomAD exomes 0.00006; TOPMed 0.00011.
gnomAD v4.1: 71 of 1,611,744 alleles (0.0044%); highest among the groups gnomAD compares: Middle Eastern, 0.016%; no homozygotes.

Submission:

Labcorp Genetics (formerly Invitae), Labcorp
Classification: Uncertain significance for MEGF10-related myopathy. Last evaluated: 2023-11-27. Review status: criteria provided, single submitter. Criteria: Invitae Variant Classification Sherloc (09022015). Collection method: clinical testing. Allele origin: germline.
Comment: This sequence change replaces arginine, which is basic and polar, with histidine, which is basic and polar, at codon 117 of the MEGF10 protein (p.Arg117His). This variant is present in population databases (rs749238106, gnomAD 0.02%). This variant has not been reported in the literature in individuals affected with MEGF10-related conditions. ClinVar contains an entry for this variant (Variation ID: 565440). Advanced modeling of protein sequence and biophysical properties (such as structural, functional, and spatial information, amino acid conservation, physicochemical variation, residue mobility, and thermodynamic stability) performed at Invitae indicates that this missense variant is not expected to disrupt MEGF10 protein function with a negative predictive value of 80%. In summary, the available evidence is currently insufficient to determine the role of this variant in disease. Therefore, it has been classified as a Variant of Uncertain Significance.